The following is an entry in ClinVar:

NM_005654.6(NR2F1):c.265T>G (p.Cys89Gly)

Genes: NR2F1-AS1 (NR2F1 regulatory antisense RNA 1; minus strand), NR2F1 (nuclear receptor subfamily 2 group F member 1; plus strand). Cytogenetic location: 5q15.
Variant type: single nucleotide variant.
Coding change: c.265T>G on transcript NM_005654.6 (MANE Select); coding-DNA position 265, T replaced by G.
Protein change: p.Cys89Gly; replaces cysteine 89 with glycine.
Molecular consequence: missense variant.
Genome position (GRCh38, 1-based): chr5:93,585,288, T>G. VCF-style: chr5-93585288-T-G. GRCh37 (hg19) VCF-style: chr5-92920994-T-G.
Other names: short protein forms C89G.
Identifiers: ClinVar variation 1806195 (VCV001806195.1), dbSNP rs1561523716, ClinGen allele CA360525881.

ClinVar aggregate classification (germline): Likely pathogenic (1 of 4 stars; one submission).

Conditions:
Bosch-Boonstra-Schaaf optic atrophy syndrome (BBSOAS). Also called: NR2F1-Related Neurodevelopmental Disorder. Identifiers: Orphanet 401777, MedGen C3810363, MONDO:0014320, OMIM 615722.

Submission:

Victorian Clinical Genetics Services, Murdoch Childrens Research Institute
Classification: Likely pathogenic for Bosch-Boonstra-Schaaf optic atrophy syndrome. Last evaluated: 2022-02-02. Review status: criteria provided, single submitter. Criteria: ACMG Guidelines, 2015. Collection method: clinical testing. Allele origin: germline. Inheritance: Autosomal dominant inheritance. Affected: yes.
Comment: Based on the classification scheme VCGS_Germline_v1.3.4, this variant is classified as Likely Pathogenic. Following criteria are met: 0102 - Loss of function is a known mechanism of disease in this gene and is associated with Bosch-Boonstra-Schaaf optic atrophy syndrome (MIM#615722). Dominant negative is an additional suggested mechanism of disease (PMID: 26986877). (I) 0107 - This gene is associated with autosomal dominant disease. (I) 0200 - Variant is predicted to result in a missense amino acid change from cysteine to glycine. (I) 0251 - This variant is heterozygous. (I) 0301 - Variant is absent from gnomAD (both v2 and v3). (SP) 0501 - Missense variant consistently predicted to be damaging by multiple in silico tools or highly conserved with a major amino acid change. (SP) 0601 - Variant affects a zinc-binding cysteine residue within a well-established functional zinc finger motif (Decipher). (SP) 0710 - Another missense variant comparable to the one identified in this case has inconclusive previous evidence for pathogenicity. This variant (p.Cys89Arg) has been reported as a VUS in a patient with a neurological phenotype (ClinVar, PMID: 30755392). (I) 0807 - This variant has no previous evidence of pathogenicity. (I) 0905 - No published segregation evidence has been identified for this variant. (I) 1007 - No published functional evidence has been identified for this variant. (I) 1102 - Strong phenotype match for this individual. (SP) Legend: (SP) - Supporting pathogenic, (I) - Information, (SB) - Supporting benign

Literature cited by the submitters: PubMed 26986877; PubMed 30755392.